The following is an entry in ClinVar:

ClinVar aggregate classification (germline): Uncertain significance. Review status: criteria provided, multiple submitters, no conflicts (2 of 4 stars). 2 submissions from 2 submitters: Uncertain significance (2). Last evaluated 2026-02-11.

Conditions:
Hereditary cancer-predisposing syndrome. Also called: Tumor predisposition; Hereditary Cancer Syndrome; Hereditary neoplastic syndrome; Neoplastic Syndromes, Hereditary. Identifiers: Orphanet 140162, MedGen C0027672, MeSH D009386, MONDO:0015356.
Polyposis syndrome, hereditary mixed, 2. Identifiers: Orphanet 157794, MedGen C1864730, MONDO:0012405, OMIM 610069.

Submissions (2):

Ambry Genetics
Classification: Uncertain significance for Hereditary cancer-predisposing syndrome. Last evaluated: 2026-02-11. Review status: criteria provided, single submitter. Criteria: Ambry Variant Classification Scheme 2023. Collection method: clinical testing. Allele origin: germline.
Comment: The p.H66Y variant (also known as c.196C>T), located in coding exon 2 of the BMPR1A gene, results from a C to T substitution at nucleotide position 196. The histidine at codon 66 is replaced by tyrosine, an amino acid with similar properties. This amino acid position is highly conserved in available vertebrate species. In addition, the in silico prediction for this alteration is inconclusive. Based on the available evidence, the clinical significance of this variant remains unclear.

Baylor Genetics
Classification: Uncertain significance for Polyposis syndrome, hereditary mixed, 2. Last evaluated: 2023-07-05. Review status: criteria provided, single submitter. Criteria: ACMG Guidelines, 2015. Collection method: clinical testing. Allele origin: unknown.

NM_004329.3(BMPR1A):c.196C>T (p.His66Tyr)

Gene: BMPR1A (bone morphogenetic protein receptor type 1A; plus strand). Cytogenetic location: 10q23.2.
Variant type: single nucleotide variant.
Coding change: c.196C>T on transcript NM_004329.3 (MANE Select); coding-DNA position 196, C replaced by T.
Protein change: p.His66Tyr; replaces histidine 66 with tyrosine.
Molecular consequence: missense variant. On other transcripts: non-coding transcript variant (3).
Genome position (GRCh38, 1-based): chr10:86,890,190, C>T. VCF-style: chr10-86890190-C-T. GRCh37 (hg19) VCF-style: chr10-88649947-C-T.
Other names: c.196C>T, p.His66Tyr (NM_001406559.1, NM_001406560.1, NM_001406561.1 and 23 more transcripts); c.112C>T, p.His38Tyr (NM_001406584.1, NM_001406585.1, NM_001406586.1 and 2 more transcripts); short protein forms H38Y, H66Y.
Identifiers: ClinVar variation 2680200 (VCV002680200.2), dbSNP rs2133396171, ClinGen allele CA377447059.
Genomic context (GRCh38, chr10:86,890,190, plus strand): 5'-AATGGAGTAACCTTAGCACCAGAGGATACCTTGCCTTTTTTAAAGTGCTATTGCTCAGGG[C>T]ACTGTCCAGATGATGCTATTAATAACACATGCATGTAAGTATTTTATGCAGCCCTTCTTA-3'
Protein context (NP_004320.2, residues 56-76): LPFLKCYCSG[His66Tyr]CPDDAINNTC